The following is an entry in ClinVar:

NM_024753.5(TTC21B):c.9G>C (p.Ser3=)

Gene: TTC21B (tetratricopeptide repeat domain 21B; minus strand). Cytogenetic location: 2q24.3.
Variant type: single nucleotide variant.
Coding change: c.9G>C on transcript NM_024753.5 (MANE Select); coding-DNA position 9, G replaced by C.
Protein change: p.Ser3=; no amino-acid change (serine 3 retained).
Molecular consequence: synonymous variant.
Genome position (GRCh38, 1-based): chr2:165,953,697, C>G on the plus strand (G>C on the coding strand, the complement: TTC21B is on the minus strand). VCF-style: chr2-165953697-C-G. GRCh37 (hg19) VCF-style: chr2-166810207-C-G.
Other names: c.9G>C (NM_024753.4).
Identifiers: ClinVar variation 1659856 (VCV001659856.9), dbSNP rs1186801288, ClinGen allele CA429899313.

ClinVar aggregate classification (germline): Likely benign. Review status: criteria provided, multiple submitters, no conflicts (2 of 4 stars). 2 submissions from 2 submitters: Likely benign (2). Last evaluated 2026-07-31.

Conditions:
TTC21B-related disorder. Also called: TTC21B-related disorders; TTC21B-related condition.
Jeune thoracic dystrophy. Also called: Short-rib thoracic dysplasia; Jeune syndrome; Infantile thoracic dystrophy; Thoracic pelvic phalangeal dystrophy; Jeune's syndrome; Chondroectodermal dysplasia-like syndrome. Identifiers: Orphanet 474, MedGen C0265275, MONDO:0018770.
Nephronophthisis. Also called: Juvenile Nephronophthisis. Identifiers: Orphanet 655, MedGen C0687120, MONDO:0019005, HP:0000090.

Allele frequency attached by ClinVar (database versions not stated): TOPMed below 0.00001; gnomAD exomes 0.00002.

Submissions (2):

PreventionGenetics, part of Exact Sciences
Classification: Likely benign for TTC21B-related condition. Last evaluated: 2026-07-31. Review status: criteria provided, single submitter. Criteria: ACMG Guidelines, 2015. Collection method: clinical testing. Allele origin: germline.
Comment: This variant is classified as likely benign based on ACMG/AMP sequence variant interpretation guidelines (Richards et al. 2015 PMID: 25741868, with internal and published modifications).

Labcorp Genetics (formerly Invitae), Labcorp
Classification: Likely benign for Jeune thoracic dystrophy; Nephronophthisis. Last evaluated: 2022-01-04. Review status: criteria provided, single submitter. Criteria: Invitae Variant Classification Sherloc (09022015). Collection method: clinical testing. Allele origin: germline.